The following is an entry in ClinVar:

ClinVar aggregate classification (germline): Likely pathogenic (1 of 4 stars; one submission).

Conditions:
Acute infantile liver failure due to synthesis defect of mtDNA-encoded proteins. Also called: Liver failure acute infantile; LIVER FAILURE, INFANTILE, TRANSIENT; TRMU Deficiency. Identifiers: Orphanet 217371, MedGen C3278664, MONDO:0013111, OMIM 613070.

Submission:

Women's Health and Genetics/Laboratory Corporation of America, LabCorp
Classification: Likely pathogenic for Acute infantile liver failure due to synthesis defect of mtDNA-encoded proteins. Last evaluated: 2025-04-10. Review status: criteria provided, single submitter. Criteria: LabCorp Variant Classification Summary - May 2015. Collection method: clinical testing. Allele origin: germline.
Comment: Variant summary: NBAS c.1878-2_1878-1ins10 is located in a canonical splice-site and is predicted to affect mRNA splicing resulting in a significantly altered protein due to either exon skipping, shortening, or inclusion of intronic material. Variants that disrupt the consensus splice site are a relatively common cause of aberrant splicing and loss of NBAS function. Several computational tools predict a significant impact on normal splicing: Two predict the variant creates a 5' donor site. Four predict the variant abolishes a 3' acceptor site. However, these predictions have yet to be confirmed by functional studies. The variant was absent in 246096 control chromosomes. To our knowledge, no occurrence of c.1878-2_1878-1ins10 in individuals affected with Liver Failure Acute Infantile, Type 2 and no experimental evidence demonstrating its impact on protein function have been reported. No submitters have cited clinical-significance assessments for this variant to ClinVar. Based on the evidence outlined above, the variant was classified as likely pathogenic.

NM_015909.4(NBAS):c.1878-2_1878-1insTTTACCTGGT

Gene: NBAS (NBAS subunit of NRZ tethering complex; minus strand). Cytogenetic location: 2p24.3.
Variant type: Insertion.
Coding change: c.1878-2_1878-1insTTTACCTGGT on transcript NM_015909.4 (MANE Select); the canonical splice acceptor site of the intron before coding-DNA position 1878, TTTACCTGGT inserted.
Molecular consequence: splice acceptor variant.
Genome position: GRCh38 VCF-style: chr2-15467805-C-CACCAGGTAAA. GRCh37 (hg19) VCF-style: chr2-15607929-C-CACCAGGTAAA.
Identifiers: ClinVar variation 3896343 (VCV003896343.1).